The following is an entry in ClinVar:

ClinVar aggregate classification (germline): Pathogenic (1 of 4 stars; one submission).

Conditions:
Neurofibromatosis, type 1 (NF1). Also called: VON RECKLINGHAUSEN DISEASE; NEUROFIBROMATOSIS, TYPE I, SOMATIC; Peripheral type neurofibromatosis; Neurofibromatosis, type I. Identifiers: Orphanet 636, MedGen C0027831, MONDO:0018975, OMIM 162200. Disease mechanism: loss of function.

Submission:

Labcorp Genetics (formerly Invitae), Labcorp
Classification: Pathogenic for Neurofibromatosis, type 1. Last evaluated: 2024-03-07. Review status: criteria provided, single submitter. Criteria: Invitae Variant Classification Sherloc (09022015). Collection method: clinical testing. Allele origin: germline.
Comment: This sequence change creates a premature translational stop signal (p.Tyr1763*) in the NF1 gene. It is expected to result in an absent or disrupted protein product. Loss-of-function variants in NF1 are known to be pathogenic (PMID: 10712197, 23913538). This variant is not present in population databases (gnomAD no frequency). This premature translational stop signal has been observed in individual(s) with neurofibromatosis type 1 (PMID: 18041031). Algorithms developed to predict the effect of sequence changes on RNA splicing suggest that this variant may disrupt the consensus splice site. For these reasons, this variant has been classified as Pathogenic.

Literature cited by the submitters: PubMed 10712197; PubMed 23913538; PubMed 18041031.

NM_001042492.3(NF1):c.5352T>A (p.Tyr1784Ter)

Gene: NF1 (neurofibromin 1; plus strand). Cytogenetic location: 17q11.2.
Variant type: single nucleotide variant.
Coding change: c.5352T>A on transcript NM_001042492.3 (MANE Select); coding-DNA position 5352, T replaced by A.
Protein change: p.Tyr1784Ter; replaces tyrosine 1784 with a stop codon.
Molecular consequence: nonsense.
Genome position (GRCh38, 1-based): chr17:31,327,582, T>A. VCF-style: chr17-31327582-T-A. GRCh37 (hg19) VCF-style: chr17-29654600-T-A.
Other names: c.5289T>A, p.Tyr1763Ter (NM_000267.4); short protein forms Y1763*, Y1784*.
Identifiers: ClinVar variation 2754327 (VCV002754327.3), dbSNP rs2508706010, ClinGen allele CA399009244.
Genomic context (GRCh38, chr17:31,327,582, plus strand): 5'-AACTTCAGCAGAGCGAACAAAAGTCCTAGGGCAATCAGTCTTTCTAAATGACATTTATTA[T>A]GCTTCGGAAATTGAAGAAATCTGCCTAGTAGATGAGAACCAGTTCACCTTAACCATTGCA-3'